The following is an entry in ClinVar:

ClinVar aggregate classification (germline): Uncertain significance (1 of 4 stars; one submission).

Submission:

CeGaT Center for Human Genetics Tuebingen
Classification: Uncertain significance. Last evaluated: 2024-12-01. Review status: criteria provided, single submitter. Criteria: CeGaT Center For Human Genetics Tuebingen Variant Classification Criteria Version 2. Collection method: clinical testing. Allele origin: germline. Affected: yes. Observed: 1 variant allele.
Comment: AP3B1: PM2

NM_003664.5(AP3B1):c.371T>G (p.Leu124Arg)

Gene: AP3B1 (adaptor related protein complex 3 subunit beta 1; minus strand). Cytogenetic location: 5q14.1.
Variant type: single nucleotide variant.
Coding change: c.371T>G on transcript NM_003664.5 (MANE Select); coding-DNA position 371, T replaced by G.
Protein change: p.Leu124Arg; replaces leucine 124 with arginine.
Molecular consequence: missense variant.
Genome position (GRCh38, 1-based): chr5:78,228,148, A>C on the plus strand (T>G on the coding strand, the complement: AP3B1 is on the minus strand). VCF-style: chr5-78228148-A-C. GRCh37 (hg19) VCF-style: chr5-77523972-A-C.
Other names: c.224T>G, p.Leu75Arg (NM_001271769.2); c.371T>G, p.Leu124Arg (NM_001410752.1); short protein forms L124R, L75R.
Identifiers: ClinVar variation 3772036 (VCV003772036.13).